The following is an entry in ClinVar:

NM_005431.2(XRCC2):c.146C>T (p.Pro49Leu)

Gene: XRCC2 (X-ray repair cross complementing 2; minus strand). Cytogenetic location: 7q36.1.
Variant type: single nucleotide variant.
Coding change: c.146C>T on transcript NM_005431.2 (MANE Select); coding-DNA position 146, C replaced by T.
Protein change: p.Pro49Leu; replaces proline 49 with leucine.
Molecular consequence: missense variant.
Genome position (GRCh38, 1-based): chr7:152,649,339, G>A on the plus strand (C>T on the coding strand, the complement: XRCC2 is on the minus strand). VCF-style: chr7-152649339-G-A. GRCh37 (hg19) VCF-style: chr7-152346424-G-A.
Other names: short protein forms P49L.
Identifiers: ClinVar variation 3982929 (VCV003982929.1).

ClinVar aggregate classification (germline): Uncertain significance (1 of 4 stars; one submission).

Conditions:
Hereditary cancer-predisposing syndrome. Also called: Tumor predisposition; Hereditary neoplastic syndrome; Neoplastic Syndromes, Hereditary; Hereditary Cancer Syndrome. Identifiers: Orphanet 140162, MedGen C0027672, MeSH D009386, MONDO:0015356.

Submission:

Ambry Genetics
Classification: Uncertain significance for Hereditary cancer-predisposing syndrome. Last evaluated: 2025-05-31. Review status: criteria provided, single submitter. Criteria: Ambry Variant Classification Scheme 2023. Collection method: clinical testing. Allele origin: germline.
Comment: The p.P49L variant (also known as c.146C>T), located in coding exon 3 of the XRCC2 gene, results from a C to T substitution at nucleotide position 146. The proline at codon 49 is replaced by leucine, an amino acid with similar properties. This amino acid position is conserved. In addition, this alteration is predicted to be tolerated by in silico analysis. Based on the available evidence, the clinical significance of this variant remains unclear.